The following is an entry in ClinVar:

NM_001242896.3(DEPDC5):c.680A>T (p.Asp227Val)

Gene: DEPDC5 (DEP domain containing 5, GATOR1 subcomplex subunit; plus strand). Cytogenetic location: 22q12.2.
Variant type: single nucleotide variant.
Coding change: c.680A>T on transcript NM_001242896.3 (MANE Select); coding-DNA position 680, A replaced by T.
Protein change: p.Asp227Val; replaces aspartic acid 227 with valine.
Molecular consequence: missense variant. On other transcripts: non-coding transcript variant (5).
Genome position (GRCh38, 1-based): chr22:31,792,088, A>T. VCF-style: chr22-31792088-A-T. GRCh37 (hg19) VCF-style: chr22-32188074-A-T.
Other names: c.680A>T, p.Asp227Val (NM_001007188.4, NM_001136029.4, NM_001242897.2 and 7 more transcripts); c.596A>T, p.Asp199Val (NM_001369901.1, NM_001369902.1); short protein forms D227V, D199V.
Identifiers: ClinVar variation 1481071 (VCV001481071.6), dbSNP rs2148505198, ClinGen allele CA411288455.

ClinVar aggregate classification (germline): Uncertain significance (1 of 4 stars; one submission).

Conditions:
Familial focal epilepsy with variable foci (FPEVF). Identifiers: Orphanet 98820, MedGen C1858477, MONDO:0020310.

Submission:

Labcorp Genetics (formerly Invitae), Labcorp
Classification: Uncertain significance for Familial focal epilepsy with variable foci. Last evaluated: 2021-11-27. Review status: criteria provided, single submitter. Criteria: Invitae Variant Classification Sherloc (09022015). Collection method: clinical testing. Allele origin: germline.
Comment: This sequence change replaces aspartic acid, which is acidic and polar, with valine, which is neutral and non-polar, at codon 227 of the DEPDC5 protein (p.Asp227Val). In summary, the available evidence is currently insufficient to determine the role of this variant in disease. Therefore, it has been classified as a Variant of Uncertain Significance. Algorithms developed to predict the effect of missense changes on protein structure and function are either unavailable or do not agree on the potential impact of this missense change (SIFT: "Deleterious"; PolyPhen-2: "Not Available"; Align-GVGD: "Class C0"). This variant has not been reported in the literature in individuals affected with DEPDC5-related conditions. This variant is not present in population databases (gnomAD no frequency).